The following is an entry in ClinVar:

NM_020937.4(FANCM):c.2863G>C (p.Val955Leu)

Gene: FANCM (FA complementation group M; plus strand). Cytogenetic location: 14q21.2.
Variant type: single nucleotide variant.
Coding change: c.2863G>C on transcript NM_020937.4 (MANE Select); coding-DNA position 2863, G replaced by C.
Protein change: p.Val955Leu; replaces valine 955 with leucine.
Molecular consequence: missense variant.
Genome position (GRCh38, 1-based): chr14:45,175,617, G>C. VCF-style: chr14-45175617-G-C. GRCh37 (hg19) VCF-style: chr14-45644820-G-C.
Other names: c.2785G>C, p.Val929Leu (NM_001308133.2); short protein forms V929L, V955L.
Identifiers: ClinVar variation 3368784 (VCV003368784.1).

ClinVar aggregate classification (germline): Uncertain significance (1 of 4 stars; one submission).

Submission:

GeneDx
Classification: Uncertain significance. Last evaluated: 2024-02-02. Review status: criteria provided, single submitter. Criteria: GeneDx Variant Classification Process June 2021. Collection method: clinical testing. Allele origin: germline. Affected: yes.
Comment: Not observed at significant frequency in large population cohorts (gnomAD); In silico analysis supports that this missense variant does not alter protein structure/function; Has not been previously published as pathogenic or benign to our knowledge